The following is an entry in ClinVar:

ClinVar aggregate classification (germline): Likely benign. Review status: criteria provided, multiple submitters, no conflicts (2 of 4 stars). 3 submissions from 3 submitters: Likely benign (2). 1 of the submissions does not count toward it. Last evaluated 2025-06-23.

Conditions:
MAG-related disorder. Also called: MAG-related condition.
Hereditary spastic paraplegia 75. Also called: Spastic paraplegia 75, autosomal recessive. Identifiers: Orphanet 459056, MedGen C4225250, MONDO:0014729, OMIM 616680.

Allele frequency attached by ClinVar (database versions not stated): gnomAD 0.00013; TOPMed 0.00015; ESP Exome Variant Server 0.00023; gnomAD exomes 0.00033; ExAC 0.00035.
gnomAD v4.1: 270 of 1,613,896 alleles (0.017%); highest among the groups gnomAD compares: Middle Eastern, 0.066%; no homozygotes.

Submissions (3):

Labcorp Genetics (formerly Invitae), Labcorp
Classification: Likely benign for Hereditary spastic paraplegia 75. Last evaluated: 2025-06-23. Review status: criteria provided, single submitter. Criteria: Invitae Variant Classification Sherloc (09022015). Collection method: clinical testing. Allele origin: germline.

Breakthrough Genomics
Classification: Likely benign. Review status: criteria provided, single submitter. Criteria: ACMG Guidelines, 2015. Collection method: not provided. Allele origin: germline. Inheritance: Autosomal recessive inheritance. Affected: yes.

PreventionGenetics, part of Exact Sciences
Classification: Likely benign for MAG-related condition. Last evaluated: 2019-07-29. Review status: no assertion criteria provided. Collection method: clinical testing. Allele origin: germline. Not counted in ClinVar's aggregate classification.
Comment: This variant is classified as likely benign based on ACMG/AMP sequence variant interpretation guidelines (Richards et al. 2015 PMID: 25741868, with internal and published modifications).

NM_002361.4(MAG):c.216G>C (p.Val72=)

Gene: MAG (myelin associated glycoprotein; plus strand). Cytogenetic location: 19q13.12.
Variant type: single nucleotide variant.
Coding change: c.216G>C on transcript NM_002361.4 (MANE Select); coding-DNA position 216, G replaced by C.
Protein change: p.Val72=; no amino-acid change (valine 72 retained).
Molecular consequence: synonymous variant.
Genome position (GRCh38, 1-based): chr19:35,295,782, G>C. VCF-style: chr19-35295782-G-C. GRCh37 (hg19) VCF-style: chr19-35786685-G-C.
Other names: c.141G>C, p.Val47= (NM_001199216.2); c.216G>C, p.Val72= (NM_080600.3).
Identifiers: ClinVar variation 706192 (VCV000706192.13), dbSNP rs200631477, ClinGen allele CA9375954.
Genomic context (GRCh38, chr19:35,295,782, plus strand): 5'-CGCTGTGGTGCATGGTGTCTGGTACTTCAATAGCCCCTACCCCAAGAACTACCCCCCGGT[G>C]GTCTTCAAGTCGCGCACCCAAGTAGTCCACGAGAGCTTCCAGGGCCGCAGCCGCCTCCTG-3'
Protein context (NP_002352.1, residues 62-82): NSPYPKNYPP[Val72=]VFKSRTQVVH